The following is an entry in ClinVar:

ClinVar aggregate classification (germline): Uncertain significance (1 of 4 stars; one submission).

Conditions:
Chédiak-Higashi syndrome (CHS). Also called: Chediak-Higashi Syndrome. Identifiers: Orphanet 167, MedGen C0007965, MONDO:0008963, OMIM 214500.

Allele frequency attached by ClinVar (database versions not stated): gnomAD exomes below 0.00001; ExAC 0.00002.
gnomAD v4.1: 4 of 1,605,298 alleles (0.00025%); highest among the groups gnomAD compares: Admixed American, 0.005%; no homozygotes.

Submission:

Labcorp Genetics (formerly Invitae), Labcorp
Classification: Uncertain significance for Chédiak-Higashi syndrome. Last evaluated: 2022-04-28. Review status: criteria provided, single submitter. Criteria: Invitae Variant Classification Sherloc (09022015). Collection method: clinical testing. Allele origin: germline.
Comment: This sequence change replaces glutamine, which is neutral and polar, with arginine, which is basic and polar, at codon 2542 of the LYST protein (p.Gln2542Arg). This variant is present in population databases (rs756956175, gnomAD 0.009%). This variant has not been reported in the literature in individuals affected with LYST-related conditions. Algorithms developed to predict the effect of missense changes on protein structure and function are either unavailable or do not agree on the potential impact of this missense change (SIFT: "Deleterious"; PolyPhen-2: "Probably Damaging"; Align-GVGD: "Class C0"). In summary, the available evidence is currently insufficient to determine the role of this variant in disease. Therefore, it has been classified as a Variant of Uncertain Significance.

NM_000081.4(LYST):c.7625A>G (p.Gln2542Arg)

Gene: LYST (lysosomal trafficking regulator; minus strand). Cytogenetic location: 1q42.3.
Variant type: single nucleotide variant.
Coding change: c.7625A>G on transcript NM_000081.4 (MANE Select); coding-DNA position 7625, A replaced by G.
Protein change: p.Gln2542Arg; replaces glutamine 2542 with arginine.
Molecular consequence: missense variant.
Genome position (GRCh38, 1-based): chr1:235,752,007, T>C on the plus strand (A>G on the coding strand, the complement: LYST is on the minus strand). VCF-style: chr1-235752007-T-C. GRCh37 (hg19) VCF-style: chr1-235915307-T-C.
Other names: c.7625A>G, p.Gln2542Arg (NM_001301365.1); short protein forms Q2542R.
Identifiers: ClinVar variation 2185992 (VCV002185992.1), dbSNP rs756956175, ClinGen allele CA1466102.